The following is an entry in ClinVar:

ClinVar aggregate classification (germline): Uncertain significance. Review status: criteria provided, multiple submitters, no conflicts (2 of 4 stars). 2 submissions from 2 submitters: Uncertain significance (2). Last evaluated 2026-07-19.

Conditions:
Hereditary cancer-predisposing syndrome. Also called: Hereditary Cancer Syndrome; Tumor predisposition; Hereditary neoplastic syndrome; Neoplastic Syndromes, Hereditary. Identifiers: Orphanet 140162, MedGen C0027672, MeSH D009386, MONDO:0015356.
Tuberous sclerosis 1 (TSC1). Identifiers: Orphanet 805, MedGen C1854465, MONDO:0008612, OMIM 191100.

Submissions (2):

Ambry Genetics
Classification: Uncertain significance for Hereditary cancer-predisposing syndrome. Last evaluated: 2026-07-19. Review status: criteria provided, single submitter. Criteria: Ambry Variant Classification Scheme 2023. Collection method: clinical testing. Allele origin: germline.
Comment: The p.Q1103R variant (also known as c.3308A>G), located in coding exon 21 of the TSC1 gene, results from an A to G substitution at nucleotide position 3308. The glutamine at codon 1103 is replaced by arginine, an amino acid with highly similar properties. This amino acid position is conserved. In addition, the in silico prediction for this alteration is inconclusive. Based on the available evidence, the clinical significance of this variant remains unclear.

Labcorp Genetics (formerly Invitae), Labcorp
Classification: Uncertain significance for Tuberous sclerosis 1. Last evaluated: 2018-05-19. Review status: criteria provided, single submitter. Criteria: Invitae Variant Classification Sherloc (09022015). Collection method: clinical testing. Allele origin: germline.
Comment: This sequence change replaces glutamine with arginine at codon 1103 of the TSC1 protein (p.Gln1103Arg). The glutamine residue is moderately conserved and there is a small physicochemical difference between glutamine and arginine. This variant is not present in population databases (ExAC no frequency). This variant has not been reported in the literature in individuals with TSC1-related disease. Algorithms developed to predict the effect of missense changes on protein structure and function (SIFT, PolyPhen-2, Align-GVGD) all suggest that this variant is likely to be tolerated, but these predictions have not been confirmed by published functional studies and their clinical significance is uncertain. In summary, the available evidence is currently insufficient to determine the role of this variant in disease. Therefore, it has been classified as a Variant of Uncertain Significance.

NM_000368.5(TSC1):c.3308A>G (p.Gln1103Arg)

Gene: TSC1 (TSC complex subunit 1; minus strand). Cytogenetic location: 9q34.13.
Variant type: single nucleotide variant.
Coding change: c.3308A>G on transcript NM_000368.5 (MANE Select); coding-DNA position 3308, A replaced by G.
Protein change: p.Gln1103Arg; replaces glutamine 1103 with arginine.
Molecular consequence: missense variant.
Genome position (GRCh38, 1-based): chr9:132,896,422, T>C on the plus strand (A>G on the coding strand, the complement: TSC1 is on the minus strand). VCF-style: chr9-132896422-T-C. GRCh37 (hg19) VCF-style: chr9-135771809-T-C.
Other names: c.3305A>G, p.Gln1102Arg (NM_001162426.2); c.3155A>G, p.Gln1052Arg (NM_001162427.2); c.2945A>G, p.Gln982Arg (NM_001362177.2); short protein forms Q1103R, Q1102R, Q1052R, Q982R.
Identifiers: ClinVar variation 569010 (VCV000569010.9), dbSNP rs1564469848, ClinGen allele CA375366654.